The following is an entry in ClinVar:

ClinVar aggregate classification (germline): Uncertain significance (1 of 4 stars; one submission).

Submission:

Labcorp Genetics (formerly Invitae), Labcorp
Classification: Uncertain significance. Last evaluated: 2024-12-02. Review status: criteria provided, single submitter. Criteria: Invitae Variant Classification Sherloc (09022015). Collection method: clinical testing. Allele origin: germline.
Comment: This sequence change replaces cysteine, which is neutral and slightly polar, with serine, which is neutral and polar, at codon 1032 of the FBN3 protein (p.Cys1032Ser). This variant is not present in population databases (gnomAD no frequency). This variant has not been reported in the literature in individuals affected with FBN3-related conditions. Invitae Evidence Modeling of protein sequence and biophysical properties (such as structural, functional, and spatial information, amino acid conservation, physicochemical variation, residue mobility, and thermodynamic stability) indicates that this missense variant is expected to disrupt FBN3 protein function with a positive predictive value of 80%. In summary, the available evidence is currently insufficient to determine the role of this variant in disease. Therefore, it has been classified as a Variant of Uncertain Significance.

NM_032447.5(FBN3):c.3094T>A (p.Cys1032Ser)

Gene: FBN3 (fibrillin 3; minus strand). Cytogenetic location: 19p13.2.
Variant type: single nucleotide variant.
Coding change: c.3094T>A on transcript NM_032447.5 (MANE Select); coding-DNA position 3094, T replaced by A.
Protein change: p.Cys1032Ser; replaces cysteine 1032 with serine.
Molecular consequence: missense variant.
Genome position (GRCh38, 1-based): chr19:8,121,375, A>T on the plus strand (T>A on the coding strand, the complement: FBN3 is on the minus strand). VCF-style: chr19-8121375-A-T. GRCh37 (hg19) VCF-style: chr19-8186259-A-T.
Other names: c.3094T>A, p.Cys1032Ser (NM_001321431.2); short protein forms C1032S.
Identifiers: ClinVar variation 3662119 (VCV003662119.2).